The following is an entry in ClinVar:

NM_000562.3(C8A):c.565C>T (p.Arg189Ter)

Gene: C8A (complement C8 alpha chain; plus strand). Cytogenetic location: 1p32.2.
Variant type: single nucleotide variant.
Coding change: c.565C>T on transcript NM_000562.3 (MANE Select); coding-DNA position 565, C replaced by T.
Protein change: p.Arg189Ter; replaces arginine 189 with a stop codon.
Molecular consequence: nonsense.
Genome position (GRCh38, 1-based): chr1:56,881,545, C>T. VCF-style: chr1-56881545-C-T. GRCh37 (hg19) VCF-style: chr1-57347218-C-T.
Other names: short protein forms R189*.
Identifiers: ClinVar variation 2966773 (VCV002966773.3), dbSNP rs1043425650, ClinGen allele CA22864984.

ClinVar aggregate classification (germline): Pathogenic (1 of 4 stars; one submission).

Allele frequency attached by ClinVar (database versions not stated): TOPMed below 0.00001; gnomAD exomes 0.00001.

Submission:

Labcorp Genetics (formerly Invitae), Labcorp
Classification: Pathogenic. Last evaluated: 2024-03-28. Review status: criteria provided, single submitter. Criteria: Invitae Variant Classification Sherloc (09022015). Collection method: clinical testing. Allele origin: germline.
Comment: This sequence change creates a premature translational stop signal (p.Arg189*) in the C8A gene. It is expected to result in an absent or disrupted protein product. Loss-of-function variants in C8A are known to be pathogenic (PMID: 9759902). This variant is present in population databases (no rsID available, gnomAD 0.007%). This variant has not been reported in the literature in individuals affected with C8A-related conditions. For these reasons, this variant has been classified as Pathogenic.

Literature cited by the submitters: PubMed 9759902.